The following is an entry in ClinVar:

NM_001134831.2(AHI1):c.2961+6_2961+7insGACTTTTTTAAAGTTTTAAA

Gene: AHI1 (Abelson helper integration site 1; minus strand). Cytogenetic location: 6q23.3.
Variant type: Insertion.
Coding change: c.2961+6_2961+7insGACTTTTTTAAAGTTTTAAA on transcript NM_001134831.2 (MANE Select); bases 6 to 7 of the intron after coding-DNA position 2961, GACTTTTTTAAAGTTTTAAA inserted.
Molecular consequence: intron variant.
Genome position: GRCh38 VCF-style: chr6-135411341-A-ATTTAAAACTTTAAAAAAGTC. GRCh37 (hg19) VCF-style: chr6-135732479-A-ATTTAAAACTTTAAAAAAGTC.
Other names: c.2961+6_2961+7insGACTTTTTTAAAGTTTTAAA (NM_001134830.2, NM_001350503.2, NM_017651.5 and 2 more transcripts).
Identifiers: ClinVar variation 1335643 (VCV001335643.35), dbSNP rs780835322, ClinGen allele CA2573052602.
Genomic context (GRCh38, chr6:135,411,341, plus strand): 5'-ATTGGCATGGCAATGTAAAACAGGATAGAAATAGTTTTAAAGTTTCAACTGCATAAAATA[A>ATTTAAAACTTTAAAAAAGTC]ACTTACTGTGACAGTTTCAAGCCTCTGTTTTACTAGCTGCATCTTCGTTGAAGAACTTTC-3'

ClinVar aggregate classification (germline): Likely benign (1 of 4 stars; one submission).

Submission:

CeGaT Center for Human Genetics Tuebingen
Classification: Likely benign. Last evaluated: 2025-11-01. Review status: criteria provided, single submitter. Criteria: CeGaT Center For Human Genetics Tuebingen Variant Classification Criteria Version 2. Collection method: clinical testing. Allele origin: germline. Affected: yes. Observed: 13 variant alleles.
Comment: AHI1: BP4